The following is an entry in ClinVar:

ClinVar aggregate classification (germline): Likely benign (0 of 4 stars; one submission).

Conditions:
HACL1-related disorder. Also called: HACL1-related condition.

Allele frequency attached by ClinVar (database versions not stated): TOPMed 0.00006; ExAC 0.00007; gnomAD 0.00007; gnomAD exomes 0.00012; ESP Exome Variant Server 0.00015.
gnomAD v4.1: 181 of 1,613,836 alleles (0.011%); highest among the groups gnomAD compares: Non-Finnish European, 0.015%; no homozygotes.

Submission:

PreventionGenetics, part of Exact Sciences
Classification: Likely benign for HACL1-related condition. Last evaluated: 2019-06-11. Review status: no assertion criteria provided. Collection method: clinical testing. Allele origin: germline.
Comment: This variant is classified as likely benign based on ACMG/AMP sequence variant interpretation guidelines (Richards et al. 2015 PMID: 25741868, with internal and published modifications).

NM_012260.4(HACL1):c.1308T>G (p.Ala436=)

Gene: HACL1 (2-hydroxyacyl-CoA lyase 1; minus strand). Cytogenetic location: 3p25.1.
Variant type: single nucleotide variant.
Coding change: c.1308T>G on transcript NM_012260.4 (MANE Select); coding-DNA position 1308, T replaced by G.
Protein change: p.Ala436=; no amino-acid change (alanine 436 retained).
Molecular consequence: synonymous variant. On other transcripts: non-coding transcript variant (1).
Genome position (GRCh38, 1-based): chr3:15,567,945, A>C on the plus strand (T>G on the coding strand, the complement: HACL1 is on the minus strand). VCF-style: chr3-15567945-A-C. GRCh37 (hg19) VCF-style: chr3-15609452-A-C.
Other names: c.1227T>G, p.Ala409= (NM_001284413.2); c.1128T>G, p.Ala376= (NM_001284415.2); c.1062T>G, p.Ala354= (NM_001284416.2).
Identifiers: ClinVar variation 3033119 (VCV003033119.2), dbSNP rs367905313, ClinGen allele CA2276542.